The following is an entry in ClinVar:

NM_032217.5(ANKRD17):c.90dup (p.Ala31fs)

Genes: ANKRD17 (ankyrin repeat domain 17; minus strand), LOC129992670 (ATAC-STARR-seq lymphoblastoid silent region 15476; plus strand). Cytogenetic location: 4q13.3.
Variant type: Duplication.
Coding change: c.90dup on transcript NM_032217.5 (MANE Select); coding-DNA position 90, one base duplicated (C; older notation c.90dupC).
Protein change: p.Ala31fs; shifts the reading frame from alanine 31.
Molecular consequence: frameshift variant.
Genome position (GRCh38, 1-based): chr4:73,258,579, G duplicated on the plus strand (C on the coding strand, the reverse complement: ANKRD17 is on the minus strand); the first of 7 consecutive G bases (chr4:73,258,579-73,258,585); duplicating any one gives the same sequence. VCF-style (leftmost placement, unchanged base first): chr4-73258578-C-CG. GRCh37 (hg19) VCF-style: chr4-74124295-C-CG.
Other names: c.90dup, p.Ala31fs (NM_015574.2, NM_198889.3); short protein forms A31fs.
Identifiers: ClinVar variation 4888117 (VCV004888117.1).

ClinVar aggregate classification (germline): Pathogenic (1 of 4 stars; one submission).

Submission:

GeneDx
Classification: Pathogenic. Last evaluated: 2026-02-02. Review status: criteria provided, single submitter. Criteria: GeneDx Variant Classification Process June 2021. Collection method: clinical testing. Allele origin: germline.
Comment: Frameshift variant predicted to result in protein truncation or nonsense mediated decay in a gene for which loss of function is a known mechanism of disease; This variant is associated with the following publications: (PMID: 33909992)